The following is an entry in ClinVar:

ClinVar aggregate classification (germline): Likely benign. Review status: criteria provided, multiple submitters, no conflicts (2 of 4 stars). 3 submissions from 3 submitters: Likely benign (3). Last evaluated 2025-05-26.

Conditions:
XDH-related disorder. Also called: XDH-related condition.
Xanthinuria type II. Also called: Xanthine dehydrogenase and aldehyde oxidase combined deficiency of; XDH and AOX dual deficiency. Identifiers: Orphanet 3467, Orphanet 93602, MedGen C1863688, MONDO:0011346, OMIM 603592.
Hereditary xanthinuria type 1 (XAN1). Identifiers: Orphanet 3467, Orphanet 93601, MedGen C0268118, MONDO:0010209, OMIM 278300.

Allele frequency attached by ClinVar (database versions not stated): ExAC 0.00008; gnomAD exomes 0.00008 and 0.00010; gnomAD 0.00009 and 0.00010; TOPMed 0.00012; ESP Exome Variant Server 0.00023.
gnomAD v4.1: 159 of 1,613,882 alleles (0.0099%); highest among the groups gnomAD compares: East Asian, 0.02%; no homozygotes.

Submissions (3):

Labcorp Genetics (formerly Invitae), Labcorp
Classification: Likely benign for Xanthinuria type II. Last evaluated: 2025-05-26. Review status: criteria provided, single submitter. Criteria: Invitae Variant Classification Sherloc (09022015). Collection method: clinical testing. Allele origin: germline.

PreventionGenetics, part of Exact Sciences
Classification: Likely benign for XDH-related condition. Last evaluated: 2025-03-31. Review status: criteria provided, single submitter. Criteria: ACMG Guidelines, 2015. Collection method: clinical testing. Allele origin: germline.
Comment: This variant is classified as likely benign based on ACMG/AMP sequence variant interpretation guidelines (Richards et al. 2015 PMID: 25741868, with internal and published modifications).

Fulgent Genetics
Classification: Likely benign for Hereditary xanthinuria type 1. Last evaluated: 2021-08-02. Review status: criteria provided, single submitter. Criteria: ACMG Guidelines, 2015. Collection method: clinical testing. Allele origin: unknown.

NM_000379.4(XDH):c.327C>T (p.His109=)

Gene: XDH (xanthine dehydrogenase; minus strand). Cytogenetic location: 2p23.1.
Variant type: single nucleotide variant.
Coding change: c.327C>T on transcript NM_000379.4 (MANE Select); coding-DNA position 327, C replaced by T.
Protein change: p.His109=; no amino-acid change (histidine 109 retained).
Molecular consequence: synonymous variant.
Genome position (GRCh38, 1-based): chr2:31,398,679, G>A on the plus strand (C>T on the coding strand, the complement: XDH is on the minus strand). VCF-style: chr2-31398679-G-A. GRCh37 (hg19) VCF-style: chr2-31621545-G-A.
Other names: c.327C>T (NM_000379.3).
Identifiers: ClinVar variation 1551278 (VCV001551278.10), dbSNP rs370058590, ClinGen allele CA1599679.
Genomic context (GRCh38, chr2:31,398,679, plus strand): 5'-CCGGAGCAGTGTGTACATACTCATGACGATGCCAGGGGTGCAGAACCCGCACTGGGAGCC[G>A]TGGCTTTTGGCAATTCTCTCCTAAAAGATACAGATGACATAGACACCTGGGATGGCAGAA-3'
Protein context (NP_000370.2, residues 99-119): HPVQERIAKS[His109=]GSQCGFCTPG